The following is an entry in ClinVar:

NM_015378.4(VPS13D):c.10393A>G (p.Ile3465Val)

Gene: VPS13D (vacuolar protein sorting 13 homolog D; plus strand). Cytogenetic location: 1p36.22.
Variant type: single nucleotide variant.
Coding change: c.10393A>G on transcript NM_015378.4 (MANE Select); coding-DNA position 10393, A replaced by G.
Protein change: p.Ile3465Val; replaces isoleucine 3465 with valine.
Molecular consequence: missense variant.
Genome position (GRCh38, 1-based): chr1:12,363,192, A>G. VCF-style: chr1-12363192-A-G. GRCh37 (hg19) VCF-style: chr1-12423248-A-G.
Other names: c.10318A>G, p.Ile3440Val (NM_018156.4); c.10393A>G (NM_015378.2); short protein forms I3440V, I3465V.
Identifiers: ClinVar variation 2418198 (VCV002418198.5), dbSNP rs747160352, ClinGen allele CA603682.

ClinVar aggregate classification (germline): Uncertain significance. Review status: criteria provided, multiple submitters, no conflicts (2 of 4 stars). 2 submissions from 2 submitters: Uncertain significance (2). Last evaluated 2025-10-29.

Conditions:
Inborn genetic diseases. Identifiers: MedGen C0950123, MeSH D030342.

Allele frequency attached by ClinVar (database versions not stated): ExAC 0.00002; gnomAD exomes below 0.00001.
gnomAD v4.1: 8 of 1,614,114 alleles (0.0005%); highest among the groups gnomAD compares: East Asian, 0.0022%; no homozygotes.

Submissions (2):

Ambry Genetics
Classification: Uncertain significance for Inborn genetic diseases. Last evaluated: 2025-10-29. Review status: criteria provided, single submitter. Criteria: Ambry Variant Classification Scheme 2023. Collection method: clinical testing. Allele origin: germline.

Labcorp Genetics (formerly Invitae), Labcorp
Classification: Uncertain significance. Last evaluated: 2025-01-06. Review status: criteria provided, single submitter. Criteria: Invitae Variant Classification Sherloc (09022015). Collection method: clinical testing. Allele origin: germline.
Comment: This sequence change replaces isoleucine, which is neutral and non-polar, with valine, which is neutral and non-polar, at codon 3465 of the VPS13D protein (p.Ile3465Val). This variant is present in population databases (rs747160352, gnomAD 0.01%). This variant has not been reported in the literature in individuals affected with VPS13D-related conditions. ClinVar contains an entry for this variant (Variation ID: 2418198). Invitae Evidence Modeling of protein sequence and biophysical properties (such as structural, functional, and spatial information, amino acid conservation, physicochemical variation, residue mobility, and thermodynamic stability) indicates that this missense variant is not expected to disrupt VPS13D protein function with a negative predictive value of 80%. In summary, the available evidence is currently insufficient to determine the role of this variant in disease. Therefore, it has been classified as a Variant of Uncertain Significance.